The following is an entry in ClinVar:

ClinVar aggregate classification (germline): Pathogenic (1 of 4 stars; one submission).

Conditions:
Hereditary cancer-predisposing syndrome. Also called: Hereditary neoplastic syndrome; Hereditary Cancer Syndrome; Neoplastic Syndromes, Hereditary; Tumor predisposition. Identifiers: Orphanet 140162, MedGen C0027672, MeSH D009386, MONDO:0015356.

Submission:

Color Diagnostics, LLC DBA Color Health
Classification: Pathogenic for Hereditary cancer-predisposing syndrome. Last evaluated: 2022-03-02. Review status: criteria provided, single submitter. Criteria: ACMG Guidelines, 2015. Collection method: clinical testing. Allele origin: germline.
Comment: This variant changes 1 nucleotide in exon 5 of the ATM gene, creating a premature translation stop signal. This variant is expected to result in an absent or non-functional protein product. To our knowledge, this variant has not been reported in individuals affected with hereditary cancer in the literature. This variant has not been identified in the general population by the Genome Aggregation Database (gnomAD). Loss of ATM function is a known mechanism of disease. Based on the available evidence, this variant is classified as Pathogenic.

NM_000051.4(ATM):c.423T>A (p.Cys141Ter)

Gene: ATM (ATM serine/threonine kinase; plus strand). Cytogenetic location: 11q22.3.
Variant type: single nucleotide variant.
Coding change: c.423T>A on transcript NM_000051.4 (MANE Select); coding-DNA position 423, T replaced by A.
Protein change: p.Cys141Ter; replaces cysteine 141 with a stop codon.
Molecular consequence: nonsense.
Genome position (GRCh38, 1-based): chr11:108,235,761, T>A. VCF-style: chr11-108235761-T-A. GRCh37 (hg19) VCF-style: chr11-108106488-T-A.
Other names: c.423T>A, p.Cys141Ter (NM_001351834.2); short protein forms C141*.
Identifiers: ClinVar variation 2773938 (VCV002773938.2), dbSNP rs2135123918, ClinGen allele CA382525119.
Genomic context (GRCh38, chr11:108,235,761, plus strand): 5'-AAATTATATCATGGATACAGTGAAAGATTCATCTAATGGTGCTATTTACGGAGCTGATTG[T>A]AGCAACATACTACTCAAAGACATTCTTTCTGTGAGAAAATACTGGTGTGAAATATCTCAG-3'